The following is an entry in ClinVar:

NM_000138.5(FBN1):c.6307C>G (p.Pro2103Ala)

Gene: FBN1 (fibrillin 1; minus strand). Cytogenetic location: 15q21.1.
Variant type: single nucleotide variant.
Coding change: c.6307C>G on transcript NM_000138.5 (MANE Select); coding-DNA position 6307, C replaced by G.
Protein change: p.Pro2103Ala; replaces proline 2103 with alanine.
Molecular consequence: missense variant.
Genome position (GRCh38, 1-based): chr15:48,437,774, G>C on the plus strand (C>G on the coding strand, the complement: FBN1 is on the minus strand). VCF-style: chr15-48437774-G-C. GRCh37 (hg19) VCF-style: chr15-48729971-G-C.
Other names: short protein forms P2103A.
Identifiers: ClinVar variation 1331925 (VCV001331925.3), dbSNP rs2141241414, ClinGen allele CA392336898.

ClinVar aggregate classification (germline): Uncertain significance (1 of 4 stars; one submission).

Conditions:
Familial thoracic aortic aneurysm and aortic dissection (TAAD). Also called: Thoracic aortic aneurysms and dissections. Identifiers: Orphanet 91387, MedGen C4707243, MONDO:0019625.

Submission:

Color Diagnostics, LLC DBA Color Health
Classification: Uncertain significance for Familial thoracic aortic aneurysm and aortic dissection. Last evaluated: 2024-03-07. Review status: criteria provided, single submitter. Criteria: ACMG Guidelines, 2015. Collection method: clinical testing. Allele origin: germline.
Comment: This missense variant replaces proline with alanine at codon 2103 of the FBN1 protein. Computational prediction suggests that this variant may not impact protein structure and function (internally defined REVEL score threshold <= 0.5, PMID: 27666373). To our knowledge, functional studies have not been reported for this variant. This variant has not been reported in individuals affected with cardiovascular disorders in the literature. This variant has not been identified in the general population by the Genome Aggregation Database (gnomAD). The available evidence is insufficient to determine the role of this variant in disease conclusively. Therefore, this variant is classified as a Variant of Uncertain Significance.